The following is an entry in ClinVar:

NM_000059.4(BRCA2):c.7829dup (p.Asp2611fs)

Gene: BRCA2 (BRCA2 DNA repair associated; plus strand). Cytogenetic location: 13q13.1.
Variant type: Duplication.
Coding change: c.7829dup on transcript NM_000059.4 (MANE Select); coding-DNA position 7829, one base duplicated (T; older notation c.7829dupT).
Protein change: p.Asp2611fs; shifts the reading frame from aspartic acid 2611.
Molecular consequence: frameshift variant.
Genome position (GRCh38, 1-based): chr13:32,362,546, T duplicated. VCF-style (leftmost placement, unchanged base first): chr13-32362545-G-GT. GRCh37 (hg19) VCF-style: chr13-32936682-G-GT.
Other names: c.7829dupT (NM_000059.3); short protein forms D2611fs.
Identifiers: ClinVar variation 440432 (VCV000440432.14), dbSNP rs1555286826, ClinGen allele CA645509331.

ClinVar aggregate classification (germline): Pathogenic. Review status: reviewed by expert panel (3 of 4 stars). 4 submissions from 4 submitters: Pathogenic (1). 3 of the submissions do not count toward it. Last evaluated 2017-12-15.

Conditions:
Hereditary cancer-predisposing syndrome. Also called: Hereditary Cancer Syndrome; Hereditary neoplastic syndrome; Tumor predisposition; Neoplastic Syndromes, Hereditary. Identifiers: Orphanet 140162, MedGen C0027672, MeSH D009386, MONDO:0015356.
Breast-ovarian cancer, familial, susceptibility to, 2 (BROVCA2). Also called: BRCA2 Hereditary Breast and Ovarian Cancer. Identifiers: Orphanet 145, MedGen C2675520, MONDO:0012933, OMIM 612555. Disease mechanism: loss of function.
Hereditary breast ovarian cancer syndrome. Also called: Hereditary breast and ovarian cancer syndrome; BRCA1- and BRCA2-Associated Hereditary Breast and Ovarian Cancer; Hereditary breast and ovarian cancer syndrome (HBOC); Hereditary breast and/or ovarian cancer syndrome; Hereditary breast and ovarian cancer; Breast and ovarian cancer. Identifiers: Orphanet 145, MedGen C0677776, MeSH D061325, MONDO:0003582. Disease mechanism: loss of function.

Submissions (4):

Evidence-based Network for the Interpretation of Germline Mutant Alleles (ENIGMA)
Classification: Pathogenic for Breast-ovarian cancer, familial, susceptibility to, 2. Last evaluated: 2017-12-15. Review status: reviewed by expert panel. Criteria: ENIGMA BRCA1/2 Classification Criteria (2017-06-29). Collection method: curation. Allele origin: germline. Study: ENIGMA.
Comment: Variant allele predicted to encode a truncated non-functional protein.

Color Diagnostics, LLC DBA Color Health
Classification: Pathogenic for Hereditary cancer-predisposing syndrome. Last evaluated: 2020-06-08. Review status: criteria provided, single submitter. Criteria: ACMG Guidelines, 2015. Collection method: clinical testing. Allele origin: germline. Not counted in ClinVar's aggregate classification.
Comment: This variant inserts 1 nucleotide in exon 17 of the BRCA2 gene, creating a frameshift and premature translation stop signal. This variant is expected to result in an absent or non-functional protein product. To our knowledge, this variant has not been reported in individuals affected with hereditary cancer in the literature. This variant has not been identified in the general population by the Genome Aggregation Database (gnomAD). Loss of BRCA2 function is a known mechanism of disease. Based on the available evidence, this variant is classified as Pathogenic.

Labcorp Genetics (formerly Invitae), Labcorp
Classification: Pathogenic for Hereditary breast ovarian cancer syndrome. Last evaluated: 2019-05-22. Review status: criteria provided, single submitter. Criteria: Invitae Variant Classification Sherloc (09022015). Collection method: clinical testing. Allele origin: germline. Not counted in ClinVar's aggregate classification.
Comment: This sequence change creates a premature translational stop signal (p.Asp2611Glyfs*7) in the BRCA2 gene. It is expected to result in an absent or disrupted protein product. This variant is not present in population databases (ExAC no frequency). This variant has been observed in an individual undergoing BRCA2 genetic testing (PMID: 29339979). ClinVar contains an entry for this variant (Variation ID: 440432). Loss-of-function variants in BRCA2 are known to be pathogenic (PMID: 20104584). For these reasons, this variant has been classified as Pathogenic.

Department of Medical Genetics, Oslo University Hospital
Classification: Pathogenic for Breast-ovarian cancer, familial, susceptibility to, 2. Last evaluated: 2015-07-01. Review status: criteria provided, single submitter. Criteria: ACMG Guidelines, 2015. Collection method: clinical testing. Allele origin: germline. Affected: yes. Observed: 1 variant allele. Not counted in ClinVar's aggregate classification.

Literature cited by the submitters: PubMed 29339979 (cited by Labcorp Genetics (formerly Invitae), Labcorp); PubMed 20104584 (cited by Labcorp Genetics (formerly Invitae), Labcorp).